The following is an entry in ClinVar:

NM_016734.3(PAX5):c.913C>T (p.Arg305Cys)

Gene: PAX5 (paired box 5; minus strand). Cytogenetic location: 9p13.2.
Variant type: single nucleotide variant.
Coding change: c.913C>T on transcript NM_016734.3 (MANE Select); coding-DNA position 913, C replaced by T.
Protein change: p.Arg305Cys; replaces arginine 305 with cysteine.
Molecular consequence: missense variant. On other transcripts: non-coding transcript variant (2), intron variant (6).
Genome position (GRCh38, 1-based): chr9:36,882,103, G>A on the plus strand (C>T on the coding strand, the complement: PAX5 is on the minus strand). VCF-style: chr9-36882103-G-A. GRCh37 (hg19) VCF-style: chr9-36882100-G-A.
Other names: c.913C>T, p.Arg305Cys (NM_001280548.2); c.784C>T, p.Arg262Cys (NM_001280553.2, NM_001280554.2); c.589C>T, p.Arg197Cys (NM_001280556.2); c.586+41252C>T (NM_001280551.2); c.713-35174C>T (NM_001280555.2); c.781-41467C>T (NM_001280550.2); c.781-35174C>T (NM_001280549.2); c.910+41252C>T (NM_001280552.2); and 1 more; short protein forms R197C, R262C, R305C.
Identifiers: ClinVar variation 2604117 (VCV002604117.3), dbSNP rs1214797180, ClinGen allele CA373487260.

ClinVar aggregate classification (germline): Uncertain significance (1 of 4 stars; one submission).

Conditions:
Inborn genetic diseases. Identifiers: MedGen C0950123, MeSH D030342.

Allele frequency attached by ClinVar (database versions not stated): gnomAD exomes below 0.00001; TOPMed below 0.00001; gnomAD 0.00001.
gnomAD v4.1: 7 of 1,581,602 alleles (0.00044%); highest among the groups gnomAD compares: Non-Finnish European, 0.00052%; no homozygotes.

Submission:

Ambry Genetics
Classification: Uncertain significance for Inborn genetic diseases. Last evaluated: 2024-12-06. Review status: criteria provided, single submitter. Criteria: Ambry Variant Classification Scheme 2023. Collection method: clinical testing. Allele origin: germline.
Comment: The p.R305C variant (also known as c.913C>T), located in coding exon 8 of the PAX5 gene, results from a C to T substitution at nucleotide position 913. The arginine at codon 305 is replaced by cysteine, an amino acid with highly dissimilar properties. This amino acid position is conserved. In addition, this alteration is predicted to be deleterious by in silico analysis. Based on the available evidence, the clinical significance of this variant remains unclear.